The following is an entry in ClinVar:

ClinVar aggregate classification (germline): Uncertain significance (1 of 4 stars; one submission).

Conditions:
Cardiovascular phenotype. Identifiers: MedGen CN230736.

Allele frequency attached by ClinVar (database versions not stated): gnomAD exomes below 0.00001; TOPMed 0.00001; ESP Exome Variant Server 0.00008.
gnomAD v4.1: 1 of 1,614,192 alleles (0.000062%); highest among the groups gnomAD compares: Non-Finnish European, 0.000085%; no homozygotes.

Submission:

Ambry Genetics
Classification: Uncertain significance for Cardiovascular phenotype. Last evaluated: 2023-02-23. Review status: criteria provided, single submitter. Criteria: Ambry Variant Classification Scheme 2023. Collection method: clinical testing. Allele origin: germline.
Comment: The p.R301H variant (also known as c.902G>A), located in coding exon 3 of the APOA5 gene, results from a G to A substitution at nucleotide position 902. The arginine at codon 301 is replaced by histidine, an amino acid with highly similar properties. This amino acid position is conserved. In addition, this alteration is predicted to be tolerated by in silico analysis. Since supporting evidence is limited at this time, the clinical significance of this alteration remains unclear.

NM_001371904.1(APOA5):c.902G>A (p.Arg301His)

Gene: APOA5 (apolipoprotein A5; minus strand). Cytogenetic location: 11q23.3.
Variant type: single nucleotide variant.
Coding change: c.902G>A on transcript NM_001371904.1 (MANE Select); coding-DNA position 902, G replaced by A.
Protein change: p.Arg301His; replaces arginine 301 with histidine.
Molecular consequence: missense variant.
Genome position (GRCh38, 1-based): chr11:116,790,327, C>T on the plus strand (G>A on the coding strand, the complement: APOA5 is on the minus strand). VCF-style: chr11-116790327-C-T. GRCh37 (hg19) VCF-style: chr11-116661043-C-T.
Other names: c.902G>A, p.Arg301His (NM_001166598.2, NM_052968.5); short protein forms R301H.
Identifiers: ClinVar variation 2452821 (VCV002452821.2), dbSNP rs370089477, ClinGen allele CA229337251.